The following is an entry in ClinVar:

NM_020988.3(GNAO1):c.488T>C (p.Ile163Thr)

Gene: GNAO1 (G protein subunit alpha o1; plus strand). Cytogenetic location: 16q13.
Variant type: single nucleotide variant.
Coding change: c.488T>C on transcript NM_020988.3 (MANE Select); coding-DNA position 488, T replaced by C.
Protein change: p.Ile163Thr; replaces isoleucine 163 with threonine.
Molecular consequence: missense variant.
Genome position (GRCh38, 1-based): chr16:56,334,752, T>C. VCF-style: chr16-56334752-T-C. GRCh37 (hg19) VCF-style: chr16-56368664-T-C.
Other names: c.488T>C, p.Ile163Thr (NM_138736.3); short protein forms I163T.
Identifiers: ClinVar variation 1357007 (VCV001357007.30), dbSNP rs760544764, ClinGen allele CA8063784.

ClinVar aggregate classification (germline): Uncertain significance. Review status: criteria provided, multiple submitters, no conflicts (2 of 4 stars). 3 submissions from 3 submitters: Uncertain significance (3). Last evaluated 2025-07-16.

Conditions:
Early-infantile DEE. Also called: Early infantile epileptic encephalopathy with suppression bursts; Ohtahara syndrome; Early infantile epileptic encephalopathy. Identifiers: Orphanet 1934, MedGen C0393706, MONDO:0800491.

Allele frequency attached by ClinVar (database versions not stated): gnomAD 0.00001; gnomAD exomes 0.00001 and 0.00003; TOPMed 0.00001; ExAC 0.00002.
gnomAD v4.1: 20 of 1,613,890 alleles (0.0012%); highest among the groups gnomAD compares: South Asian, 0.0033%; no homozygotes.

Submissions (3):

Labcorp Genetics (formerly Invitae), Labcorp
Classification: Uncertain significance for Early-infantile DEE. Last evaluated: 2025-07-16. Review status: criteria provided, single submitter. Criteria: Invitae Variant Classification Sherloc (09022015). Collection method: clinical testing. Allele origin: germline.
Comment: This sequence change replaces isoleucine, which is neutral and non-polar, with threonine, which is neutral and polar, at codon 163 of the GNAO1 protein (p.Ile163Thr). This variant is present in population databases (rs760544764, gnomAD 0.006%). This variant has not been reported in the literature in individuals affected with GNAO1-related conditions. ClinVar contains an entry for this variant (Variation ID: 1357007). Invitae Evidence Modeling of protein sequence and biophysical properties (such as structural, functional, and spatial information, amino acid conservation, physicochemical variation, residue mobility, and thermodynamic stability) indicates that this missense variant is expected to disrupt GNAO1 protein function with a positive predictive value of 80%. In summary, the available evidence is currently insufficient to determine the role of this variant in disease. Therefore, it has been classified as a Variant of Uncertain Significance.

CeGaT Center for Human Genetics Tuebingen
Classification: Uncertain significance. Last evaluated: 2023-06-01. Review status: criteria provided, single submitter. Criteria: CeGaT Center For Human Genetics Tuebingen Variant Classification Criteria Version 2. Collection method: clinical testing. Allele origin: germline. Affected: yes. Observed: 1 variant allele.
Comment: GNAO1: PP2, PP3

Clinical Genetics Laboratory, Skane University Hospital Lund
Classification: Uncertain significance. Last evaluated: 2022-10-19. Review status: criteria provided, single submitter. Criteria: ACMG Guidelines, 2015. Collection method: clinical testing. Allele origin: germline. Affected: yes.